The following is an entry in ClinVar:

NC_000003.12:g.169764931C>T

Genes: TERC (telomerase RNA component; minus strand), LOC110806306 (telomerase RNA component (TERC) promoter; plus strand). Cytogenetic location: 3q26.2.
Variant type: single nucleotide variant.
Genome position: GRCh38 VCF-style: chr3-169764931-C-T. GRCh37 (hg19) VCF-style: chr3-169482719-C-T.
Identifiers: ClinVar variation 1052804 (VCV001052804.9), dbSNP rs2108183226, ClinGen allele CA436715704.

ClinVar aggregate classification (germline): Uncertain significance (1 of 4 stars; one submission).

Conditions:
Dyskeratosis congenita, autosomal dominant 1 (DKCA1). Also called: Dyskeratosis congenita Scoggins type. Identifiers: Orphanet 1775, MedGen C4551974, MONDO:0007485, OMIM 127550. Inheritance: Variable.

Submission:

Labcorp Genetics (formerly Invitae), Labcorp
Classification: Uncertain significance for Dyskeratosis congenita, autosomal dominant 1. Last evaluated: 2025-09-12. Review status: criteria provided, single submitter. Criteria: Invitae Variant Classification Sherloc (09022015). Collection method: clinical testing. Allele origin: germline.
Comment: This variant occurs in the TERC gene, which encodes an RNA molecule that does not result in a protein product. This variant is not present in population databases (gnomAD no frequency). This variant has not been reported in the literature in individuals affected with TERC-related conditions. ClinVar contains an entry for this variant (Variation ID: 1052804). This variant is located within the template/pseudoknot domain of the TERC RNA component, which is required for RNA or RNP stability (PMID: 15082312, 21844345). This variant is located within the template/pseudoknot domain of the TERC RNA component, which is required for RNA or RNP stability (PMID: 15082312, 21844345). In summary, the available evidence is currently insufficient to determine the role of this variant in disease. Therefore, it has been classified as a Variant of Uncertain Significance.

Literature cited by the submitters: PubMed 15082312; PubMed 21844345.